The following is an entry in ClinVar:

NM_005559.4(LAMA1):c.490A>C (p.Asn164His)

Gene: LAMA1 (laminin subunit alpha 1; minus strand). Cytogenetic location: 18p11.31.
Variant type: single nucleotide variant.
Coding change: c.490A>C on transcript NM_005559.4 (MANE Select); coding-DNA position 490, A replaced by C.
Protein change: p.Asn164His; replaces asparagine 164 with histidine.
Molecular consequence: missense variant.
Genome position (GRCh38, 1-based): chr18:7,050,792, T>G on the plus strand (A>C on the coding strand, the complement: LAMA1 is on the minus strand). VCF-style: chr18-7050792-T-G. GRCh37 (hg19) VCF-style: chr18-7050791-T-G.
Other names: short protein forms N164H.
Identifiers: ClinVar variation 1704763 (VCV001704763.3), dbSNP rs374638955, ClinGen allele CA8883283.
Genomic context (GRCh38, chr18:7,050,792, plus strand): 5'-AGGTGCAGATCACTTCATCATCAGCCCTGTAGGTGGGTGGCCCTCGTCTTGGAGTTATAT[T>G]GTAACGAGACAAACACTCTGAGTCGCTGACTGCATAATACTGCCAGGGGCTGAACGTGGT-3'
Protein context (NP_005550.2, residues 154-174): VSDSECLSRY[Asn164His]ITPRRGPPTY

ClinVar aggregate classification (germline): Uncertain significance. Review status: criteria provided, multiple submitters, no conflicts (2 of 4 stars). 2 submissions from 2 submitters: Uncertain significance (2). Last evaluated 2025-04-17.

Conditions:
Inborn genetic diseases. Identifiers: MedGen C0950123, MeSH D030342.

Allele frequency attached by ClinVar (database versions not stated): ESP Exome Variant Server 0.00008; gnomAD 0.00005; TOPMed 0.00008.
gnomAD v4.1: 241 of 1,614,054 alleles (0.015%); highest among the groups gnomAD compares: Non-Finnish European, 0.02%; no homozygotes.

Submissions (2):

Ambry Genetics
Classification: Uncertain significance for Inborn genetic diseases. Last evaluated: 2025-04-17. Review status: criteria provided, single submitter. Criteria: Ambry Variant Classification Scheme 2023. Collection method: clinical testing. Allele origin: germline.

GeneDx
Classification: Uncertain significance. Last evaluated: 2022-03-10. Review status: criteria provided, single submitter. Criteria: GeneDx Variant Classification Process June 2021. Collection method: clinical testing. Allele origin: germline. Affected: yes.
Comment: In silico analysis supports that this missense variant has a deleterious effect on protein structure/function; Has not been previously published as pathogenic or benign to our knowledge